The following is an entry in ClinVar:

ClinVar aggregate classification (germline): Uncertain significance. Review status: criteria provided, multiple submitters, no conflicts (2 of 4 stars). 3 submissions from 3 submitters: Uncertain significance (3). Last evaluated 2023-10-13.

Conditions:
Inborn genetic diseases. Identifiers: MedGen C0950123, MeSH D030342.

Allele frequency attached by ClinVar (database versions not stated): gnomAD exomes 0.00001; TOPMed 0.00002.
gnomAD v4.1: 9 of 1,604,636 alleles (0.00056%); highest among the groups gnomAD compares: Middle Eastern, 0.017%; no homozygotes.

Submissions (3):

Ambry Genetics
Classification: Uncertain significance for Inborn genetic diseases. Last evaluated: 2023-10-13. Review status: criteria provided, single submitter. Criteria: Ambry Variant Classification Scheme 2023. Collection method: clinical testing. Allele origin: germline.

Blueprint Genetics
Classification: Uncertain significance. Last evaluated: 2022-07-22. Review status: criteria provided, single submitter. Criteria: ACMG Guidelines, 2015. Collection method: clinical testing. Allele origin: germline.

Labcorp Genetics (formerly Invitae), Labcorp
Classification: Uncertain significance. Last evaluated: 2021-08-28. Review status: criteria provided, single submitter. Criteria: Invitae Variant Classification Sherloc (09022015). Collection method: clinical testing. Allele origin: germline.
Comment: In summary, the available evidence is currently insufficient to determine the role of this variant in disease. Therefore, it has been classified as a Variant of Uncertain Significance. Algorithms developed to predict the effect of missense changes on protein structure and function are either unavailable or do not agree on the potential impact of this missense change (SIFT: "Tolerated"; PolyPhen-2: "Probably Damaging"; Align-GVGD: "Class C15"). This variant has not been reported in the literature in individuals affected with PRPF31-related conditions. This variant is present in population databases (rs759253733, ExAC 0.009%). This sequence change replaces serine with leucine at codon 446 of the PRPF31 protein (p.Ser446Leu). The serine residue is highly conserved and there is a large physicochemical difference between serine and leucine.

NM_015629.4(PRPF31):c.1337C>T (p.Ser446Leu)

Gene: PRPF31 (pre-mRNA processing factor 31; plus strand). Cytogenetic location: 19q13.42.
Variant type: single nucleotide variant.
Coding change: c.1337C>T on transcript NM_015629.4 (MANE Select); coding-DNA position 1337, C replaced by T.
Protein change: p.Ser446Leu; replaces serine 446 with leucine.
Molecular consequence: missense variant.
Genome position (GRCh38, 1-based): chr19:54,129,333, C>T. VCF-style: chr19-54129333-C-T. GRCh37 (hg19) VCF-style: chr19-54632708-C-T.
Other names: c.1337C>T (NM_015629.3); short protein forms S446L.
Identifiers: ClinVar variation 1413783 (VCV001413783.8), dbSNP rs759253733, ClinGen allele CA309330994.